The following is an entry in ClinVar:

ClinVar aggregate classification (germline): Uncertain significance (1 of 4 stars; one submission).

gnomAD v4.1: 6 of 1,614,162 alleles (0.00037%); highest among the groups gnomAD compares: Middle Eastern, 0.016%; no homozygotes.

Submission:

Dasa
Classification: Uncertain significance. Last evaluated: 2025-07-07. Review status: criteria provided, single submitter. Criteria: DASA Assertion Criteria. Collection method: clinical testing. Allele origin: germline.
Comment: NM_001378743.1(CYLD):c.2633A>T (p.Tyr878Phe) is a missense variant that results in the substitution of tyrosine with phenylalanine. This variant is rare in population databases. Computational prediction algorithms are consistent with a benign effect. The currently available literature and clinical evidence are not sufficient to establish a definitive association between this variant and the reported condition. Therefore, this variant is classified as a variant of uncertain significance.

NM_001378743.1(CYLD):c.2633A>T (p.Tyr878Phe)

Genes: CYLD (CYLD lysine 63 deubiquitinase; plus strand), CYLD-AS2 (CYLD antisense RNA 2; minus strand). Cytogenetic location: 16q12.1.
Variant type: single nucleotide variant.
Coding change: c.2633A>T on transcript NM_001378743.1 (MANE Select); coding-DNA position 2633, A replaced by T.
Protein change: p.Tyr878Phe; replaces tyrosine 878 with phenylalanine.
Molecular consequence: missense variant. On other transcripts: non-coding transcript variant (1).
Genome position (GRCh38, 1-based): chr16:50,794,375, A>T. VCF-style: chr16-50794375-A-T. GRCh37 (hg19) VCF-style: chr16-50828286-A-T.
Other names: c.2624A>T, p.Tyr875Phe (NM_001042355.2, NM_001042412.3, NM_001378744.1 and 6 more transcripts); c.2594A>T, p.Tyr865Phe (NM_001378751.1, NM_001378752.1, NM_001378753.1); c.1958A>T, p.Tyr653Phe (NM_001378754.1, NM_001378755.1); c.2633A>T, p.Tyr878Phe (NM_015247.3); short protein forms Y653F, Y865F, Y875F, Y878F.
Identifiers: ClinVar variation 4883178 (VCV004883178.2).